The following is an entry in ClinVar:

NM_020461.4(TUBGCP6):c.1291-6C>T

Gene: TUBGCP6 (tubulin gamma complex component 6; minus strand). Cytogenetic location: 22q13.33.
Variant type: single nucleotide variant.
Coding change: c.1291-6C>T on transcript NM_020461.4 (MANE Select); 6 bases into the intron before coding-DNA position 1291, C replaced by T.
Molecular consequence: intron variant.
Genome position (GRCh38, 1-based): chr22:50,228,034, G>A on the plus strand (C>T on the coding strand, the complement: TUBGCP6 is on the minus strand). VCF-style: chr22-50228034-G-A. GRCh37 (hg19) VCF-style: chr22-50666463-G-A.
Identifiers: ClinVar variation 787194 (VCV000787194.22), dbSNP rs201449189, ClinGen allele CA10308742.

ClinVar aggregate classification (germline): Benign/Likely benign. Review status: criteria provided, multiple submitters, no conflicts (2 of 4 stars). 4 submissions from 4 submitters: Benign (1); Likely benign (3). Last evaluated 2026-09-01.

Allele frequency attached by ClinVar (database versions not stated): 1000 Genomes Project 30x 0.00047; 1000 Genomes Project 0.00060; gnomAD 0.00086 and 0.00091; TOPMed 0.00088; gnomAD exomes 0.00092; ESP Exome Variant Server 0.00147; ExAC 0.00215.
gnomAD v4.1: 2,834 of 1,538,884 alleles (0.18%); highest among the groups gnomAD compares: Non-Finnish European, 0.23%; 3 homozygotes.

Submissions (4):

CeGaT Center for Human Genetics Tuebingen
Classification: Likely benign. Last evaluated: 2026-09-01. Review status: criteria provided, single submitter. Criteria: CeGaT Center For Human Genetics Tuebingen Variant Classification Criteria Version 2. Collection method: clinical testing. Allele origin: germline. Affected: yes. Observed: 2 variant alleles.
Comment: TUBGCP6: BP4

Labcorp Genetics (formerly Invitae), Labcorp
Classification: Benign. Last evaluated: 2026-02-01. Review status: criteria provided, single submitter. Criteria: Invitae Variant Classification Sherloc (09022015). Collection method: clinical testing. Allele origin: germline.

Blueprint Genetics
Classification: Likely benign. Last evaluated: 2024-11-25. Review status: criteria provided, single submitter. Criteria: ACMG Guidelines, 2015. Collection method: clinical testing. Allele origin: germline.

GeneDx
Classification: Likely benign. Last evaluated: 2019-07-26. Review status: criteria provided, single submitter. Criteria: GeneDx Variant Classification Process June 2021. Collection method: clinical testing. Allele origin: germline. Affected: yes.